The following is an entry in ClinVar:

NM_006946.4(SPTBN2):c.2771C>A (p.Pro924Gln)

Gene: SPTBN2 (spectrin beta, non-erythrocytic 2; minus strand). Cytogenetic location: 11q13.2.
Variant type: single nucleotide variant.
Coding change: c.2771C>A on transcript NM_006946.4 (MANE Select); coding-DNA position 2771, C replaced by A.
Protein change: p.Pro924Gln; replaces proline 924 with glutamine.
Molecular consequence: missense variant.
Genome position (GRCh38, 1-based): chr11:66,701,629, G>T on the plus strand (C>A on the coding strand, the complement: SPTBN2 is on the minus strand). VCF-style: chr11-66701629-G-T. GRCh37 (hg19) VCF-style: chr11-66469100-G-T.
Other names: short protein forms P924Q.
Identifiers: ClinVar variation 448488 (VCV000448488.14), dbSNP rs147327184, ClinGen allele CA6129018.

ClinVar aggregate classification (germline): Benign/Likely benign. Review status: criteria provided, multiple submitters, no conflicts (2 of 4 stars). 5 submissions from 5 submitters: Benign (1); Likely benign (3). 1 of the submissions does not count toward it. Last evaluated 2026-02-03.

Conditions:
Inborn genetic diseases. Identifiers: MedGen C0950123, MeSH D030342.
SPTBN2-related disorder. Also called: SPTBN2-related condition.

Allele frequency attached by ClinVar (database versions not stated): ESP Exome Variant Server 0.00023; TOPMed 0.00045.
gnomAD v4.1: 238 of 1,613,970 alleles (0.015%); highest among the groups gnomAD compares: African/African-American, 0.18%; 2 homozygotes.

Submissions (5):

Women's Health and Genetics/Laboratory Corporation of America, LabCorp
Classification: Likely benign. Last evaluated: 2026-02-03. Review status: criteria provided, single submitter. Criteria: LabCorp Variant Classification Summary - May 2015. Collection method: clinical testing. Allele origin: germline.
Comment: Variant summary: SPTBN2 c.2771C>A (p.Pro924Gln) results in a non-conservative amino acid change in the encoded protein sequence. Algorithms developed to predict the effect of missense changes on protein structure and function are either unavailable or do not agree on the potential impact of this missense change. The variant allele was found at a frequency of 0.00015 in 1613970 control chromosomes in the gnomAD database, including 2 homozygotes. This frequency is not significantly higher than estimated for disease-causing variants in SPTBN2, allowing no conclusion about variant significance. To our knowledge, no occurrence of c.2771C>A in individuals affected with SPTBN2-related conditions and no experimental evidence demonstrating its impact on protein function have been reported. ClinVar contains an entry for this variant (Variation ID: 448488). Based on the evidence outlined above, the variant was classified as likely benign.

Athena Diagnostics
Classification: Benign. Last evaluated: 2025-07-30. Review status: criteria provided, single submitter. Criteria: Athena Diagnostics Criteria. Collection method: clinical testing. Allele origin: unknown.
Comment: The frequency of this variant in the general population is higher than would generally be expected for pathogenic variants in this gene.

Labcorp Genetics (formerly Invitae), Labcorp
Classification: Likely benign. Last evaluated: 2024-10-02. Review status: criteria provided, single submitter. Criteria: Invitae Variant Classification Sherloc (09022015). Collection method: clinical testing. Allele origin: germline.

Ambry Genetics
Classification: Likely benign for Inborn genetic diseases. Last evaluated: 2021-08-09. Review status: criteria provided, single submitter. Criteria: Ambry Variant Classification Scheme 2023. Collection method: clinical testing. Allele origin: germline.

PreventionGenetics, part of Exact Sciences
Classification: Likely benign for SPTBN2-related condition. Last evaluated: 2023-04-24. Review status: no assertion criteria provided. Collection method: clinical testing. Allele origin: germline. Not counted in ClinVar's aggregate classification.
Comment: This variant is classified as likely benign based on ACMG/AMP sequence variant interpretation guidelines (Richards et al. 2015 PMID: 25741868, with internal and published modifications).